The following is an entry in ClinVar:

NM_003227.4(TFR2):c.1945GTC[1] (p.Val650del)

Gene: TFR2 (transferrin receptor 2; minus strand). Cytogenetic location: 7q22.1.
Variant type: Microsatellite.
Coding change: c.1945GTC[1] on transcript NM_003227.4 (MANE Select); one copy of the 3-base unit GTC starting at c.1945; the reference has two copies in a row; one copy, 3 bases deleted.
Protein change: p.Val650del; deletes valine 650.
Genome position (GRCh38, 1-based): chr7:100,627,309-100,627,311, GAC deleted on the plus strand (GTC on the coding strand, the reverse complement: TFR2 is on the minus strand); deleting any 3 consecutive bases within chr7:100,627,309-100,627,315 gives the same sequence; the position shown is the placement nearest the transcript's 3' end. VCF-style (leftmost placement, unchanged base first): chr7-100627308-GGAC-G. GRCh37 (hg19) VCF-style: chr7-100224931-GGAC-G.
Other names: c.1432GTC[1], p.Val479del (NM_001206855.3); short protein forms V650del, V479del.
Identifiers: ClinVar variation 3691169 (VCV003691169.2).

ClinVar aggregate classification (germline): Uncertain significance (1 of 4 stars; one submission).

Conditions:
Hereditary hemochromatosis (HFE). Identifiers: MedGen C0392514, MONDO:0006507. Disease mechanism: loss of function.

Submission:

Labcorp Genetics (formerly Invitae), Labcorp
Classification: Uncertain significance for Hereditary hemochromatosis. Last evaluated: 2024-06-26. Review status: criteria provided, single submitter. Criteria: Invitae Variant Classification Sherloc (09022015). Collection method: clinical testing. Allele origin: germline.
Comment: This variant, c.1948_1950del, results in the deletion of 1 amino acid(s) of the TFR2 protein (p.Val650del), but otherwise preserves the integrity of the reading frame. This variant is not present in population databases (gnomAD no frequency). This variant has not been reported in the literature in individuals affected with TFR2-related conditions. In summary, the available evidence is currently insufficient to determine the role of this variant in disease. Therefore, it has been classified as a Variant of Uncertain Significance.